The following is an entry in ClinVar:

ClinVar aggregate classification (germline): Conflicting classifications of pathogenicity. Review status: criteria provided, conflicting classifications (1 of 4 stars). 7 submissions from 7 submitters: Uncertain significance (5); Benign (1). 1 of the submissions does not count toward it. Last evaluated 2026-08-18.

Conditions:
Hereditary cancer-predisposing syndrome. Also called: Neoplastic Syndromes, Hereditary; Hereditary neoplastic syndrome; Hereditary Cancer Syndrome; Tumor predisposition. Identifiers: Orphanet 140162, MedGen C0027672, MeSH D009386, MONDO:0015356.
Tuberous sclerosis syndrome (TSC). Also called: Tuberous Sclerosis Complex; Tuberous sclerosis. Identifiers: Orphanet 805, MedGen C0041341, MONDO:0001734.
Tuberous sclerosis 2 (TSC2). Identifiers: Orphanet 805, MedGen C1860707, MONDO:0013199, OMIM 613254.

Allele frequency attached by ClinVar (database versions not stated): gnomAD exomes below 0.00001.

Submissions (7):

Ambry Genetics
Classification: Uncertain significance for Hereditary cancer-predisposing syndrome. Last evaluated: 2026-08-18. Review status: criteria provided, single submitter. Criteria: Ambry Variant Classification Scheme 2023. Collection method: clinical testing. Allele origin: germline.

Labcorp Genetics (formerly Invitae), Labcorp
Classification: Benign for Tuberous sclerosis 2. Last evaluated: 2025-11-23. Review status: criteria provided, single submitter. Criteria: Invitae Variant Classification Sherloc (09022015). Collection method: clinical testing. Allele origin: germline.

Color Diagnostics, LLC DBA Color Health
Classification: Uncertain significance for Tuberous sclerosis syndrome. Last evaluated: 2025-07-03. Review status: criteria provided, single submitter. Criteria: ACMG Guidelines, 2015. Collection method: clinical testing. Allele origin: germline.
Comment: This missense variant replaces methionine with threonine at codon 198 of the TSC2 protein. Computational prediction suggests that this variant may have deleterious impact on protein structure and function. To our knowledge, functional studies have not been reported for this variant. This variant has not been reported in individuals affected with TSC2-related disorders in the literature. This variant has not been identified in the general population by the Genome Aggregation Database (gnomAD). The available evidence is insufficient to determine the role of this variant in disease conclusively. Therefore, this variant is classified as a Variant of Uncertain Significance.

All of Us Research Program, National Institutes of Health
Classification: Uncertain significance for Tuberous sclerosis syndrome. Last evaluated: 2023-06-26. Review status: criteria provided, single submitter. Criteria: ACMG Guidelines, 2015. Collection method: clinical testing. Allele origin: germline. Inheritance: Autosomal dominant inheritance. Observed: 2 variant alleles, 2 heterozygotes.
Comment: This missense variant replaces methionine with threonine at codon 198 of the TSC2 protein. Computational prediction suggests that this variant may have deleterious impact on protein structure and function (internally defined REVEL score threshold >= 0.7, PMID: 27666373). To our knowledge, functional studies have not been reported for this variant. This variant has not been reported in individuals affected with TSC2-related disorders in the literature. This variant has not been identified in the general population by the Genome Aggregation Database (gnomAD). The available evidence is insufficient to determine the role of this variant in disease conclusively. Therefore, this variant is classified as a Variant of Uncertain Significance.

This study involves interpretation of variants in research participants for the purpose of population health screening. Participant phenotype was not available at the time of variant classification. Additional details can be found in publication PMID: 35346344, PMCID: PMC8962531

Genome-Nilou Lab
Classification: Uncertain significance for Tuberous sclerosis 2. Last evaluated: 2021-11-07. Review status: criteria provided, single submitter. Criteria: ACMG Guidelines, 2015. Collection method: clinical testing. Allele origin: germline. Affected: no.

Laboratory for Molecular Medicine, Mass General Brigham Personalized Medicine
Classification: Uncertain significance. Last evaluated: 2016-06-23. Review status: criteria provided, single submitter. Criteria: LMM Criteria. Collection method: clinical testing. Allele origin: germline.
Comment: Variant identified in a genome or exome case(s) and assessed due to predicted null impact of the variant or pathogenic assertions in the literature or databases. Disclaimer: This variant has not undergone full assessment. The following are preliminary notes: 1 report

Tuberous sclerosis database (TSC2)
No classification provided. Condition: TSC. Review status: no classification provided. Criteria: Tuberous Sclerosis Database Assertion Criteria 2015. Collection method: curation. Allele origin: germline. Affected: yes. Not counted in ClinVar's aggregate classification.

NM_000548.5(TSC2):c.593T>C (p.Met198Thr)

Gene: TSC2 (TSC complex subunit 2; plus strand). Cytogenetic location: 16p13.3.
Variant type: single nucleotide variant.
Coding change: c.593T>C on transcript NM_000548.5 (MANE Select); coding-DNA position 593, T replaced by C.
Protein change: p.Met198Thr; replaces methionine 198 with threonine.
Molecular consequence: missense variant. On other transcripts: intron variant (1).
Genome position (GRCh38, 1-based): chr16:2,055,513, T>C. VCF-style: chr16-2055513-T-C. GRCh37 (hg19) VCF-style: chr16-2105514-T-C.
Other names: c.593T>C, p.Met198Thr (NM_001077183.3, NM_001114382.3, NM_001363528.2 and 3 more transcripts); c.482T>C, p.Met161Thr (NM_001318827.2); c.446T>C, p.Met149Thr (NM_001318829.2); c.626T>C, p.Met209Thr (NM_001318832.2); c.-1-683T>C (NM_001318831.2); short protein forms M198T, M149T, M161T, M209T.
Identifiers: ClinVar variation 49375 (VCV000049375.17), dbSNP rs45517114, ClinGen allele CA022610.